The following is an entry in ClinVar:

NM_001379451.1(BCORL1):c.3875G>A (p.Arg1292Gln)

Gene: BCORL1 (BCL6 corepressor like 1; plus strand). Cytogenetic location: Xq26.1.
Variant type: single nucleotide variant.
Coding change: c.3875G>A on transcript NM_001379451.1 (MANE Select); coding-DNA position 3875, G replaced by A.
Protein change: p.Arg1292Gln; replaces arginine 1292 with glutamine.
Molecular consequence: missense variant. On other transcripts: intron variant (4).
Genome position (GRCh38, 1-based): chrX:130,025,176, G>A. VCF-style: chrX-130025176-G-A. GRCh37 (hg19) VCF-style: chrX-129159151-G-A.
Other names: c.3875G>A, p.Arg1292Gln (NM_001184772.3, NM_001379450.1, NM_001441326.1 and 3 more transcripts); c.3688+2199G>A (NM_001441329.1, NM_001441331.1, NM_001441330.1 and 1 more transcripts); short protein forms R1292Q.
Identifiers: ClinVar variation 4873054 (VCV004873054.2).

ClinVar aggregate classification (germline): Likely benign (1 of 4 stars; one submission).

gnomAD v4.1: 111 of 1,210,230 alleles (0.0092%); highest among the groups gnomAD compares: Middle Eastern, 0.069%; 2 homozygotes.

Submission:

CeGaT Center for Human Genetics Tuebingen
Classification: Likely benign. Last evaluated: 2026-04-01. Review status: criteria provided, single submitter. Criteria: CeGaT Center For Human Genetics Tuebingen Variant Classification Criteria Version 2. Collection method: clinical testing. Allele origin: germline. Affected: yes. Observed: 1 variant allele.
Comment: BCORL1: BP4, BS2